The following is an entry in ClinVar:

NM_001130987.2(DYSF):c.781G>C (p.Gly261Arg)

Gene: DYSF (dysferlin; plus strand). Cytogenetic location: 2p13.2.
Variant type: single nucleotide variant.
Coding change: c.781G>C on transcript NM_001130987.2 (MANE Select); coding-DNA position 781, G replaced by C.
Protein change: p.Gly261Arg; replaces glycine 261 with arginine.
Molecular consequence: missense variant.
Genome position (GRCh38, 1-based): chr2:71,515,644, G>C. VCF-style: chr2-71515644-G-C. GRCh37 (hg19) VCF-style: chr2-71742774-G-C.
Other names: c.688G>C, p.Gly230Arg (NM_001130455.2, NM_001130983.2, NM_001130984.2 and 1 more transcripts); c.685G>C, p.Gly229Arg (NM_001130976.2, NM_001130977.2, NM_001130978.2 and 1 more transcripts); c.778G>C, p.Gly260Arg (NM_001130979.2, NM_001130980.2, NM_001130981.2); c.781G>C, p.Gly261Arg (NM_001130982.2, NM_001130985.2); short protein forms G261R, G229R, G230R, G260R.
Identifiers: ClinVar variation 2058559 (VCV002058559.4), dbSNP rs2152734398, ClinGen allele CA347208386.
Genomic context (GRCh38, chr2:71,515,644, plus strand): 5'-TCCCCCTTCCTCCTGCTCTTTCCTCCTTCTGGCTTTCAGATCAGGGTCCAGGTGATCGAG[G>C]GGCGCCAGCTGCCGGGGGTGAACATCAAGCCTGTGGTCAAGGTTACCGCTGCAGGGCAGA-3'
Protein context (NP_001124459.1, residues 251-271): DFQIRVQVIE[Gly261Arg]RQLPGVNIKP

ClinVar aggregate classification (germline): Uncertain significance (1 of 4 stars; one submission).

Conditions:
Neuromuscular disease caused by qualitative or quantitative defects of dysferlin. Also called: Dysferlinopathy; Qualitative or quantitative defects of dysferlin. Identifiers: Orphanet 207073, MedGen C2931687, MONDO:0016145.

Allele frequency attached by ClinVar (database versions not stated): gnomAD exomes below 0.00001.
gnomAD v4.1: 3 of 1,613,944 alleles (0.00019%); highest among the groups gnomAD compares: Non-Finnish European, 0.00025%; no homozygotes.

Submission:

Labcorp Genetics (formerly Invitae), Labcorp
Classification: Uncertain significance for Neuromuscular disease caused by qualitative or quantitative defects of dysferlin. Last evaluated: 2022-01-26. Review status: criteria provided, single submitter. Criteria: Invitae Variant Classification Sherloc (09022015). Collection method: clinical testing. Allele origin: germline.
Comment: In summary, the available evidence is currently insufficient to determine the role of this variant in disease. Therefore, it has been classified as a Variant of Uncertain Significance. Advanced modeling of protein sequence and biophysical properties (such as structural, functional, and spatial information, amino acid conservation, physicochemical variation, residue mobility, and thermodynamic stability) performed at Invitae indicates that this missense variant is expected to disrupt DYSF protein function. This variant has not been reported in the literature in individuals affected with DYSF-related conditions. This variant is not present in population databases (gnomAD no frequency). This sequence change replaces glycine, which is neutral and non-polar, with arginine, which is basic and polar, at codon 229 of the DYSF protein (p.Gly229Arg).